The following is an entry in ClinVar:

NM_000235.4(LIPA):c.102C>T (p.Asn34=)

Gene: LIPA (lipase A, lysosomal acid type; minus strand). Cytogenetic location: 10q23.31.
Variant type: single nucleotide variant.
Coding change: c.102C>T on transcript NM_000235.4 (MANE Select); coding-DNA position 102, C replaced by T.
Protein change: p.Asn34=; no amino-acid change (asparagine 34 retained).
Molecular consequence: synonymous variant. On other transcripts: intron variant (2).
Genome position (GRCh38, 1-based): chr10:89,247,547, G>A on the plus strand (C>T on the coding strand, the complement: LIPA is on the minus strand). VCF-style: chr10-89247547-G-A. GRCh37 (hg19) VCF-style: chr10-91007304-G-A.
Other names: c.102C>T, p.Asn34= (NM_001127605.3, NM_001440818.1, NM_001440819.1 and 17 more transcripts); c.234C>T, p.Asn78= (NM_001440836.1); c.117C>T, p.Asn39= (NM_001440838.1); c.62-19149C>T (NM_001440839.1); c.-120+4190C>T (NM_001288979.2).
Identifiers: ClinVar variation 4975024 (VCV004975024.1).
Genomic context (GRCh38, chr10:89,247,547, plus strand): 5'-GGATCGGGGAAATAGATGCATTTTAAAAGTACATAACTTTGAGAAACTTACCACATTCAT[G>A]TTTGTTTCAGGATCCACAGCTGTCAGTTTCCCTCCAGACCCCTCAGAATGCAGGGTCCAG-3'
Protein context (NP_000226.2, residues 24-44): GKLTAVDPET[Asn34=]MNVSEIISYW

ClinVar aggregate classification (germline): Likely benign (1 of 4 stars; one submission).

Conditions:
Lysosomal acid lipase deficiency. Also called: Acid cholesteryl ester hydrolase deficiency, type 2. Identifiers: Orphanet 275761, MedGen C5574740, MONDO:0800449, MONDO:0010204.

gnomAD v4.1: 1 of 1,602,088 alleles (0.000062%); highest among the groups gnomAD compares: Non-Finnish European, 0.000086%; no homozygotes.

Submission:

GENinCode PLC
Classification: Likely benign for Lysosomal acid lipase deficiency. Last evaluated: 2025-03-17. Review status: criteria provided, single submitter. Criteria: ACMG Guidelines, 2015. Collection method: clinical testing. Allele origin: germline.
Comment: This is a synonymous (silent) variant that is not predicted to impact splicing and occurs at a nucleotide which is not highly conserved. This variant has been classified as Likely Benign (BP4, BP7).